The following is an entry in ClinVar:

ClinVar aggregate classification (germline): Uncertain significance (1 of 4 stars; one submission).

Conditions:
Immunodeficiency, common variable, 7. Identifiers: Orphanet 1572, Orphanet 696894, MedGen C3542922, MONDO:0013862, OMIM 614699.

Allele frequency attached by ClinVar (database versions not stated): gnomAD exomes 0.00001 and 0.00003; 1000 Genomes Project 30x 0.00016; ExAC 0.00003; 1000 Genomes Project 0.00020; gnomAD 0.00011 and 0.00010; TOPMed 0.00009.
gnomAD v4.1: 26 of 1,613,998 alleles (0.0016%); highest among the groups gnomAD compares: African/African-American, 0.028%; no homozygotes.

Submission:

Labcorp Genetics (formerly Invitae), Labcorp
Classification: Uncertain significance for Immunodeficiency, common variable, 7. Last evaluated: 2021-10-05. Review status: criteria provided, single submitter. Criteria: Invitae Variant Classification Sherloc (09022015). Collection method: clinical testing. Allele origin: germline.
Comment: This sequence change replaces alanine with serine at codon 714 of the CR2 protein (p.Ala714Ser). The alanine residue is weakly conserved and there is a moderate physicochemical difference between alanine and serine. This variant is present in population databases (rs183720800, ExAC 0.04%). This variant has not been reported in the literature in individuals affected with CR2-related conditions. Algorithms developed to predict the effect of missense changes on protein structure and function are either unavailable or do not agree on the potential impact of this missense change (SIFT: "Tolerated"; PolyPhen-2: "Possibly Damaging"; Align-GVGD: "Class C0"). In summary, the available evidence is currently insufficient to determine the role of this variant in disease. Therefore, it has been classified as a Variant of Uncertain Significance.

NM_001006658.3(CR2):c.2140G>T (p.Ala714Ser)

Gene: CR2 (complement C3d receptor 2; plus strand). Cytogenetic location: 1q32.2.
Variant type: single nucleotide variant.
Coding change: c.2140G>T on transcript NM_001006658.3 (MANE Select); coding-DNA position 2140, G replaced by T.
Protein change: p.Ala714Ser; replaces alanine 714 with serine.
Molecular consequence: missense variant. On other transcripts: intron variant (1).
Genome position (GRCh38, 1-based): chr1:207,473,706, G>T. VCF-style: chr1-207473706-G-T. GRCh37 (hg19) VCF-style: chr1-207647051-G-T.
Other names: c.1979-95G>T (NM_001877.5); short protein forms A714S.
Identifiers: ClinVar variation 1483622 (VCV001483622.3), dbSNP rs183720800, ClinGen allele CA1368885.